The following is an entry in ClinVar:

ClinVar aggregate classification (germline): Uncertain significance (1 of 4 stars; one submission).

Conditions:
Very long chain acyl-CoA dehydrogenase deficiency (ACADVLD). Also called: Very Long-Chain Acyl-Coenzyme A Dehydrogenase Deficiency; VLCAD Deficiency. Identifiers: Orphanet 26793, MedGen C3887523, MONDO:0008723, OMIM 201475.

Submission:

Labcorp Genetics (formerly Invitae), Labcorp
Classification: Uncertain significance for Very long chain acyl-CoA dehydrogenase deficiency. Last evaluated: 2021-08-31. Review status: criteria provided, single submitter. Criteria: Invitae Variant Classification Sherloc (09022015). Collection method: clinical testing. Allele origin: germline.
Comment: This sequence change falls in intron 13 of the ACADVL gene. It does not directly change the encoded amino acid sequence of the ACADVL protein. It affects a nucleotide within the consensus splice site of the intron. This variant is not present in population databases (ExAC no frequency). This variant has not been reported in the literature in individuals affected with ACADVL-related conditions. Variants that disrupt the consensus splice site are a relatively common cause of aberrant splicing (PMID: 17576681, 9536098). Algorithms developed to predict the effect of sequence changes on RNA splicing suggest that this variant may disrupt the consensus splice site. In summary, the available evidence is currently insufficient to determine the role of this variant in disease. Therefore, it has been classified as a Variant of Uncertain Significance.

Literature cited by the submitters: PubMed 17576681; PubMed 9536098.

NM_000018.4(ACADVL):c.1333-3T>G

Gene: ACADVL (acyl-CoA dehydrogenase very long chain; plus strand). Cytogenetic location: 17p13.1.
Variant type: single nucleotide variant.
Coding change: c.1333-3T>G on transcript NM_000018.4 (MANE Select); 3 bases into the intron before coding-DNA position 1333, T replaced by G.
Molecular consequence: intron variant.
Genome position (GRCh38, 1-based): chr17:7,223,965, T>G. VCF-style: chr17-7223965-T-G. GRCh37 (hg19) VCF-style: chr17-7127284-T-G.
Other names: c.1402-3T>G (NM_001270447.2); c.1105-3T>G (NM_001270448.2); c.1267-3T>G (NM_001033859.3).
Identifiers: ClinVar variation 935702 (VCV000935702.7), dbSNP rs1057523216, ClinGen allele CA1139665151.
Genomic context (GRCh38, chr17:7,223,965, plus strand): 5'-CTGGGCCAGGGGTGGGTAGGCACATCTCAGCACGGGCATATAATTTGTGTGGCCCTGTGC[T>G]AGGAACCTGGAGTAGAGCGTGTGCTCCGAGATCTTCGCATCTTCCGGATCTTTGAGGGGA-3'